The following is an entry in ClinVar:

NM_152296.5(ATP1A3):c.1164C>T (p.His388=)

Gene: ATP1A3 (ATPase Na+/K+ transporting subunit alpha 3; minus strand). Cytogenetic location: 19q13.2.
Variant type: single nucleotide variant.
Coding change: c.1164C>T on transcript NM_152296.5 (MANE Select); coding-DNA position 1164, C replaced by T.
Protein change: p.His388=; no amino-acid change (histidine 388 retained).
Molecular consequence: synonymous variant.
Genome position (GRCh38, 1-based): chr19:41,981,936, G>A on the plus strand (C>T on the coding strand, the complement: ATP1A3 is on the minus strand). VCF-style: chr19-41981936-G-A. GRCh37 (hg19) VCF-style: chr19-42486088-G-A.
Other names: c.1197C>T, p.His399= (NM_001256213.2); c.1203C>T, p.His401= (NM_001256214.2); c.1203C>T (NM_001256214.1).
Identifiers: ClinVar variation 706776 (VCV000706776.35), dbSNP rs201446077, ClinGen allele CA9467715.

ClinVar aggregate classification (germline): Likely benign. Review status: criteria provided, multiple submitters, no conflicts (2 of 4 stars). 4 submissions from 4 submitters: Likely benign (4). Last evaluated 2025-03-03.

Conditions:
ATP1A3-related disorder. Also called: ATP1A3-related condition; ATP1A3-related disorders. Identifiers: MedGen CN381097.
Dystonia 12 (DYT12). Also called: DYT-ATP1A3; Rapid-Onset Dystonia-Parkinsonism (RDP). Identifiers: Orphanet 71517, MedGen C1868681, MONDO:0007496, OMIM 128235.

Allele frequency attached by ClinVar (database versions not stated): gnomAD 0.00001 and 0.00002; ExAC 0.00002; gnomAD exomes 0.00002; TOPMed 0.00004; 1000 Genomes Project 30x 0.00031; 1000 Genomes Project 0.00040.
gnomAD v4.1: 67 of 1,614,232 alleles (0.0042%); highest among the groups gnomAD compares: East Asian, 0.0067%; no homozygotes.

Submissions (4):

Labcorp Genetics (formerly Invitae), Labcorp
Classification: Likely benign for Dystonia 12. Last evaluated: 2025-03-03. Review status: criteria provided, single submitter. Criteria: Invitae Variant Classification Sherloc (09022015). Collection method: clinical testing. Allele origin: germline.

PreventionGenetics, part of Exact Sciences
Classification: Likely benign for ATP1A3-related condition. Last evaluated: 2024-12-26. Review status: criteria provided, single submitter. Criteria: ACMG Guidelines, 2015. Collection method: clinical testing. Allele origin: germline.
Comment: This variant is classified as likely benign based on ACMG/AMP sequence variant interpretation guidelines (Richards et al. 2015 PMID: 25741868, with internal and published modifications).

CeGaT Center for Human Genetics Tuebingen
Classification: Likely benign. Last evaluated: 2023-11-01. Review status: criteria provided, single submitter. Criteria: CeGaT Center For Human Genetics Tuebingen Variant Classification Criteria Version 2. Collection method: clinical testing. Allele origin: germline. Affected: yes. Observed: 1 variant allele.
Comment: ATP1A3: BP4, BP7

Blueprint Genetics
Classification: Likely benign. Last evaluated: 2022-08-15. Review status: criteria provided, single submitter. Criteria: ACMG Guidelines, 2015. Collection method: clinical testing. Allele origin: germline.